The following is an entry in ClinVar:

NM_005989.4(AKR1D1):c.*1274A>G

Gene: AKR1D1 (aldo-keto reductase family 1 member D1; plus strand). Cytogenetic location: 7q33.
Variant type: single nucleotide variant.
Coding change: c.*1274A>G on transcript NM_005989.4 (MANE Select); 1274 bases downstream of the stop codon, A replaced by G.
Molecular consequence: 3 prime UTR variant.
Genome position (GRCh38, 1-based): chr7:138,117,936, A>G. VCF-style: chr7-138117936-A-G. GRCh37 (hg19) VCF-style: chr7-137802682-A-G.
Other names: c.*1274A>G (NM_001190906.2); c.*1299A>G (NM_001190907.2).
Identifiers: ClinVar variation 358989 (VCV000358989.5), dbSNP rs11766258, ClinGen allele CA10623306.

ClinVar aggregate classification (germline): Benign (1 of 4 stars; one submission).

Conditions:
Congenital bile acid synthesis defect 2 (CBAS2). Also called: CHOLESTASIS WITH DELTA(4)-3-OXOSTEROID 5-BETA-REDUCTASE DEFICIENCY. Identifiers: Orphanet 79303, MedGen C1856127, MONDO:0009339, OMIM 235555.

Allele frequency attached by ClinVar (database versions not stated): gnomAD 0.08627; 1000 Genomes Project 0.09145; TOPMed 0.09713; 1000 Genomes Project 30x 0.10103.

Submission:

Illumina Laboratory Services, Illumina
Classification: Benign for Congenital bile acid synthesis defect 2. Last evaluated: 2018-01-12. Review status: criteria provided, single submitter. Criteria: ICSL Variant Classification Criteria 13 December 2019. Collection method: clinical testing. Allele origin: germline.
Comment: This variant was observed in the ICSL laboratory as part of a predisposition screen in an ostensibly healthy population. It had not been previously curated by ICSL or reported in the Human Gene Mutation Database (HGMD: prior to June 1st, 2018), and was therefore a candidate for classification through an automated scoring system. Utilizing variant allele frequency, disease prevalence and penetrance estimates, and inheritance mode, an automated score was calculated to assess if this variant is too frequent to cause the disease. Based on the score and internal cut-off values, a variant classified as benign is not then subjected to further curation. The score for this variant resulted in a classification of benign for this disease.